The following is an entry in ClinVar:

NM_006231.4(POLE):c.5860G>A (p.Asp1954Asn)

Gene: POLE (DNA polymerase epsilon, catalytic subunit; minus strand). Cytogenetic location: 12q24.33.
Variant type: single nucleotide variant.
Coding change: c.5860G>A on transcript NM_006231.4 (MANE Select); coding-DNA position 5860, G replaced by A.
Protein change: p.Asp1954Asn; replaces aspartic acid 1954 with asparagine.
Molecular consequence: missense variant.
Genome position (GRCh38, 1-based): chr12:132,634,330, C>T on the plus strand (G>A on the coding strand, the complement: POLE is on the minus strand). VCF-style: chr12-132634330-C-T. GRCh37 (hg19) VCF-style: chr12-133210916-C-T.
Other names: short protein forms D1954N.
Identifiers: ClinVar variation 836249 (VCV000836249.9), dbSNP rs1262379825, ClinGen allele CA387371752.
Genomic context (GRCh38, chr12:132,634,330, plus strand): 5'-CCTCCACGTTGGATTCCTCCGCCTCTTCCTCCTCCTCCCCATCTCTTTCCTCCTCATCGT[C>T]CTCATTTTCCTGCTCATCCTCTGCTCCCCCTGCTTTCTGGGAGTCTTGCTGTAACACATG-3'
Protein context (NP_006222.2, residues 1944-1964): GGAEDEQENE[Asp1954Asn]DEEERDGEEE

ClinVar aggregate classification (germline): Uncertain significance (1 of 4 stars; one submission).

Submission:

Labcorp Genetics (formerly Invitae), Labcorp
Classification: Uncertain significance. Last evaluated: 2020-04-30. Review status: criteria provided, single submitter. Criteria: Invitae Variant Classification Sherloc (09022015). Collection method: clinical testing. Allele origin: germline.
Comment: Algorithms developed to predict the effect of missense changes on protein structure and function (SIFT, PolyPhen-2, Align-GVGD) all suggest that this variant is likely to be tolerated, but these predictions have not been confirmed by published functional studies and their clinical significance is uncertain. In summary, the available evidence is currently insufficient to determine the role of this variant in disease. Therefore, it has been classified as a Variant of Uncertain Significance. This variant has not been reported in the literature in individuals with POLE-related conditions. This sequence change replaces aspartic acid with asparagine at codon 1954 of the POLE protein (p.Asp1954Asn). The aspartic acid residue is weakly conserved and there is a small physicochemical difference between aspartic acid and asparagine. This variant is not present in population databases (ExAC no frequency).